The following is an entry in ClinVar:

ClinVar aggregate classification (germline): Conflicting classifications of pathogenicity. Review status: criteria provided, conflicting classifications (1 of 4 stars). 2 submissions from 2 submitters: Uncertain significance (1); Likely benign (1). Last evaluated 2025-10-21.

Conditions:
Congenital contractural arachnodactyly (CCA). Also called: BEALS SYNDROME; Arthrogryposis, distal, type 9; Beals-Hecht syndrome. Identifiers: Orphanet 115, MedGen C0220668, MONDO:0007363, OMIM 121050.
Familial thoracic aortic aneurysm and aortic dissection (TAAD). Also called: Thoracic aortic aneurysms and dissections. Identifiers: Orphanet 91387, MedGen C4707243, MONDO:0019625.

Allele frequency attached by ClinVar (database versions not stated): gnomAD exomes below 0.00001 and 0.00004.
gnomAD v4.1: 32 of 1,612,482 alleles (0.002%); highest among the groups gnomAD compares: Non-Finnish European, 0.0027%; no homozygotes.

Submissions (2):

Labcorp Genetics (formerly Invitae), Labcorp
Classification: Uncertain significance for Congenital contractural arachnodactyly. Last evaluated: 2025-10-21. Review status: criteria provided, single submitter. Criteria: Invitae Variant Classification Sherloc (09022015). Collection method: clinical testing. Allele origin: germline.
Comment: This sequence change affects codon 2511 of the FBN2 mRNA. It is a 'silent' change, meaning that it does not change the encoded amino acid sequence of the FBN2 protein. This variant is present in population databases (no rsID available, gnomAD 0.0009%). This variant has not been reported in the literature in individuals affected with FBN2-related conditions. ClinVar contains an entry for this variant (Variation ID: 411814). Algorithms developed to predict the effect of sequence changes on RNA splicing suggest that this variant is not likely to affect RNA splicing. In summary, the available evidence is currently insufficient to determine the role of this variant in disease. Therefore, it has been classified as a Variant of Uncertain Significance.

Ambry Genetics
Classification: Likely benign for Familial thoracic aortic aneurysm and aortic dissection. Last evaluated: 2020-07-17. Review status: criteria provided, single submitter. Criteria: Ambry Variant Classification Scheme 2023. Collection method: clinical testing. Allele origin: germline.

NM_001999.4(FBN2):c.7533G>T (p.Gly2511=)

Gene: FBN2 (fibrillin 2; minus strand). Cytogenetic location: 5q23.3.
Variant type: single nucleotide variant.
Coding change: c.7533G>T on transcript NM_001999.4 (MANE Select); coding-DNA position 7533, G replaced by T.
Protein change: p.Gly2511=; no amino-acid change (glycine 2511 retained).
Molecular consequence: synonymous variant.
Genome position (GRCh38, 1-based): chr5:128,276,099, C>A on the plus strand (G>T on the coding strand, the complement: FBN2 is on the minus strand). VCF-style: chr5-128276099-C-A. GRCh37 (hg19) VCF-style: chr5-127611791-C-A.
Identifiers: ClinVar variation 411814 (VCV000411814.11), dbSNP rs1060503502, ClinGen allele CA16611681.